The following is an entry in ClinVar:

ClinVar aggregate classification (germline): Uncertain significance (1 of 4 stars; one submission).

Conditions:
MELAS syndrome (MELAS). Also called: Juvenile myopathy, encephalopathy, lactic acidosis, stroke. Identifiers: Orphanet 550, MedGen C0162671, MONDO:0010789, OMIM 540000.

Submission:

Wong Mito Lab, Molecular and Human Genetics, Baylor College of Medicine
Classification: Uncertain significance for MELAS syndrome. Last evaluated: 2019-07-12. Review status: criteria provided, single submitter. Criteria: Modified ACMG Guidelines (Unpublished). Collection method: clinical testing. Allele origin: germline.
Comment: The NC_012920.1:m.5590G>A variant in MT-TA gene is interpreted to be a Unknown Significance variant based on the modified ACMG guidelines (unpublished). This variant meets the following evidence codes reported in the guidelines: PM9, PP6

Literature cited by the submitters: PubMed 31965079.

NC_012920.1(MT-TA):m.5590G>A

Gene: MT-TA (mitochondrially encoded tRNA alanine; minus strand).
Variant type: single nucleotide variant.
Genome position: chrM-5590-G-A.
Identifiers: ClinVar variation 689949 (VCV000689949.1), dbSNP rs28619345, ClinGen allele CA337097195.